The following is an entry in ClinVar:

NM_001139.3(ALOX12B):c.1790C>A (p.Ala597Glu)

Gene: ALOX12B (arachidonate 12-lipoxygenase, 12R type; minus strand). Cytogenetic location: 17p13.1.
Variant type: single nucleotide variant.
Coding change: c.1790C>A on transcript NM_001139.3 (MANE Select); coding-DNA position 1790, C replaced by A.
Protein change: p.Ala597Glu; replaces alanine 597 with glutamic acid.
Molecular consequence: missense variant.
Genome position (GRCh38, 1-based): chr17:8,073,284, G>T on the plus strand (C>A on the coding strand, the complement: ALOX12B is on the minus strand). VCF-style: chr17-8073284-G-T. GRCh37 (hg19) VCF-style: chr17-7976602-G-T.
Other names: c.1790C>A, p.Ala597Glu (LRG_1264t1); short protein forms A597E.
Identifiers: ClinVar variation 265039 (VCV000265039.58), dbSNP rs752509098, ClinGen allele CA8367177.

ClinVar aggregate classification (germline): Pathogenic/Likely pathogenic. Review status: criteria provided, multiple submitters, no conflicts (2 of 4 stars). 9 submissions from 9 submitters: Pathogenic (4); Likely pathogenic (4). 1 of the submissions does not count toward it. Last evaluated 2026-01-13.

Conditions:
ALOX12B-related disorder. Also called: ALOX12B-related condition.
Ichthyosis and erythrokeratoderma.
Lamellar ichthyosis. Identifiers: Orphanet 313, MedGen C5848247, MONDO:0017778.
Autosomal recessive congenital ichthyosis 2 (ARCI2). Identifiers: Orphanet 281122, Orphanet 79394, MedGen C3888093, MONDO:0009439, OMIM 242100.

Allele frequency attached by ClinVar (database versions not stated): ExAC 0.00002; gnomAD exomes 0.00002; TOPMed 0.00002; gnomAD 0.00005.

Submissions (9):

Genetics Laboratory, Great Ormond Street Hospital NHS Foundation Trust, North Thames Genomic Laboratory Hub
Classification: Pathogenic for Ichthyosis and erythrokeratoderma. Last evaluated: 2026-01-13. Review status: criteria provided, single submitter. Criteria: ACGS Best Practice Guidelines for Variant Classification in Rare Disease 2024 v1.2. Collection method: clinical testing. Allele origin: germline. Affected: yes.
Comment: PM2_moderate, PM3_very-strong

CeGaT Center for Human Genetics Tuebingen
Classification: Likely pathogenic. Last evaluated: 2025-07-01. Review status: criteria provided, single submitter. Criteria: CeGaT Center For Human Genetics Tuebingen Variant Classification Criteria Version 2. Collection method: clinical testing. Allele origin: germline. Affected: yes. Observed: 3 variant alleles.
Comment: ALOX12B: PM3:Very Strong, PM2, BP4

Labcorp Genetics (formerly Invitae), Labcorp
Classification: Pathogenic. Last evaluated: 2025-03-27. Review status: criteria provided, single submitter. Criteria: Invitae Variant Classification Sherloc (09022015). Collection method: clinical testing. Allele origin: germline.
Comment: This sequence change replaces alanine, which is neutral and non-polar, with glutamic acid, which is acidic and polar, at codon 597 of the ALOX12B protein (p.Ala597Glu). This variant is present in population databases (rs752509098, gnomAD 0.008%). This missense change has been observed in individual(s) with autosomal recessive congenital ichthyosis (PMID: 19890349, 31168818, 33435499; internal data). In at least one individual the data is consistent with being in trans (on the opposite chromosome) from a pathogenic variant. ClinVar contains an entry for this variant (Variation ID: 265039). Invitae Evidence Modeling of protein sequence and biophysical properties (such as structural, functional, and spatial information, amino acid conservation, physicochemical variation, residue mobility, and thermodynamic stability) indicates that this missense variant is expected to disrupt ALOX12B protein function with a positive predictive value of 95%. For these reasons, this variant has been classified as Pathogenic.

Blueprint Genetics
Classification: Likely pathogenic for ALOX12B-related disorders. Last evaluated: 2024-10-31. Review status: criteria provided, single submitter. Criteria: ACMG Guidelines, 2015. Collection method: clinical testing. Allele origin: germline. Affected: yes. Observed: 5 variant alleles.

Fulgent Genetics
Classification: Pathogenic for Autosomal recessive congenital ichthyosis 2. Last evaluated: 2024-05-15. Review status: criteria provided, single submitter. Criteria: ACMG Guidelines, 2015. Collection method: clinical testing. Allele origin: germline.

Women's Health and Genetics/Laboratory Corporation of America, LabCorp
Classification: Pathogenic for Lamellar ichthyosis. Last evaluated: 2024-03-14. Review status: criteria provided, single submitter. Criteria: LabCorp Variant Classification Summary - May 2015. Collection method: clinical testing. Allele origin: germline.
Comment: Variant summary: ALOX12B c.1790C>A (p.Ala597Glu) results in a non-conservative amino acid change located in the Lipoxygenase, C-terminal domain of the encoded protein sequence. Four of five in-silico tools predict a benign effect of the variant on protein function. The variant allele was found at a frequency of 2.4e-05 in 251456 control chromosomes (gnomAD). c.1790C>A has been reported in the literature in multiple individuals affected with Lamellar Ichthyosis (e.g. Valquist_2010, Volozonoka_2018, Simpson_2020, Hotz_2021). These data indicate that the variant is very likely to be associated with disease. To our knowledge, no experimental evidence demonstrating an impact on protein function has been reported. The following publications have been ascertained in the context of this evaluation (PMID: 33435499, 31168818, 19890349, 29687370). ClinVar contains an entry for this variant (Variation ID: 265039). Based on the evidence outlined above, the variant was classified as pathogenic.

GeneDx
Classification: Likely pathogenic. Last evaluated: 2023-08-15. Review status: criteria provided, single submitter. Criteria: GeneDx Variant Classification Process June 2021. Collection method: clinical testing. Allele origin: germline. Affected: yes.
Comment: In silico analysis, which includes protein predictors and evolutionary conservation, supports that this variant does not alter protein structure/function; This variant is associated with the following publications: (PMID: 29444371, 27025581, 31168818, 19890349, 33435499, 31046801, 29687370)

Kasturba Medical College, Manipal, Kasturba Medical College, Manipal, Manipal Academy of Higher Education, Manipal, India
Classification: Likely pathogenic for Autosomal recessive congenital ichthyosis 2. Review status: criteria provided, single submitter. Criteria: ACMG Guidelines, 2015. Collection method: clinical testing. Allele origin: biparental. Affected: yes.

Institute for Human Genetics, University Medical Center Freiburg
Classification: Pathogenic for Autosomal recessive congenital ichthyosis 2. Last evaluated: 2021-01-07. Review status: no assertion criteria provided. Collection method: clinical testing. Allele origin: unknown. Affected: yes. Not counted in ClinVar's aggregate classification.

Literature cited by the submitters: PubMed 19890349 (cited by 3 submitters); PubMed 31168818 (cited by Labcorp Genetics (formerly Invitae), Labcorp and Women's Health and Genetics/Laboratory Corporation of America, LabCorp); PubMed 33435499 (cited by Labcorp Genetics (formerly Invitae), Labcorp and Women's Health and Genetics/Laboratory Corporation of America, LabCorp); PubMed 29687370 (cited by Women's Health and Genetics/Laboratory Corporation of America, LabCorp); DOI 10.1038/jid.2009.346 (cited by Kasturba Medical College, Manipal, Kasturba Medical College, Manipal, Manipal Academy of Higher Education, Manipal, India).